The following is an entry in ClinVar:

ClinVar aggregate classification (germline): Benign (1 of 4 stars; one submission).

Allele frequency attached by ClinVar (database versions not stated): gnomAD 0.78192 and 0.78687; TOPMed 0.78847; 1000 Genomes Project 0.82927; 1000 Genomes Project 30x 0.82979.
gnomAD v4.1: 119,564 of 152,136 alleles (79%); highest among the groups gnomAD compares: East Asian, 91%; 47,027 homozygotes.

Submission:

GeneDx
Classification: Benign. Last evaluated: 2018-06-14. Review status: criteria provided, single submitter. Criteria: GeneDx Variant Classification (06012015). Collection method: clinical testing. Allele origin: germline. Affected: yes.
Comment: This variant is considered likely benign or benign based on one or more of the following criteria: it is a conservative change, it occurs at a poorly conserved position in the protein, it is predicted to be benign by multiple in silico algorithms, and/or has population frequency not consistent with disease.

NM_006846.4(SPINK5):c.2666+297A>C

Gene: SPINK5 (serine peptidase inhibitor Kazal type 5; plus strand). Cytogenetic location: 5q32.
Variant type: single nucleotide variant.
Coding change: c.2666+297A>C on transcript NM_006846.4 (MANE Select); 297 bases into the intron after coding-DNA position 2666, A replaced by C.
Molecular consequence: intron variant.
Genome position (GRCh38, 1-based): chr5:148,124,257, A>C. VCF-style: chr5-148124257-A-C. GRCh37 (hg19) VCF-style: chr5-147503820-A-C.
Other names: c.2666+297A>C (NM_001127698.2, NM_001127699.2).
Identifiers: ClinVar variation 667633 (VCV000667633.1), dbSNP rs1422993, ClinGen allele CA12174063.